The following is an entry in ClinVar:

NM_004370.6(COL12A1):c.2903A>G (p.Glu968Gly)

Gene: COL12A1 (collagen type XII alpha 1 chain; minus strand). Cytogenetic location: 6q13.
Variant type: single nucleotide variant.
Coding change: c.2903A>G on transcript NM_004370.6 (MANE Select); coding-DNA position 2903, A replaced by G.
Protein change: p.Glu968Gly; replaces glutamic acid 968 with glycine.
Molecular consequence: missense variant. On other transcripts: intron variant (2).
Genome position (GRCh38, 1-based): chr6:75,165,587, T>C on the plus strand (A>G on the coding strand, the complement: COL12A1 is on the minus strand). VCF-style: chr6-75165587-T-C. GRCh37 (hg19) VCF-style: chr6-75875303-T-C.
Other names: c.2903A>G, p.Glu968Gly (NM_001424113.1, NM_001424114.1); c.2630A>G, p.Glu877Gly (NM_001424115.1); c.74-13105A>G (NM_001424116.1, NM_080645.3); short protein forms E968G, E877G.
Identifiers: ClinVar variation 4782669 (VCV004782669.1).
Genomic context (GRCh38, chr6:75,165,587, plus strand): 5'-GTCAAAGGTTCTCCTTCTCCACTGCTGTAAGTGGCAAATACTGAAATTCTGTATTTGGTC[T>C]CTGGCTGCAGATTTTCTATCATCGTATGAATTGCATCTTCAGGCAGATTTTTCTCTCCAG-3'
Protein context (NP_004361.3, residues 958-978): IHTMIENLQP[Glu968Gly]TKYRISVFAT

ClinVar aggregate classification (germline): Uncertain significance (1 of 4 stars; one submission).

Conditions:
Ullrich congenital muscular dystrophy 2 (UCMD2). Identifiers: Orphanet 75840, MedGen C4225314, MONDO:0014654, OMIM 616470.
Bethlem myopathy 2 (BTHLM2). Identifiers: Orphanet 536516, Orphanet 610, MedGen C4225313, MONDO:0034022, OMIM 616471.

Submission:

Labcorp Genetics (formerly Invitae), Labcorp
Classification: Uncertain significance for Bethlem myopathy 2; Ullrich congenital muscular dystrophy 2. Last evaluated: 2025-02-19. Review status: criteria provided, single submitter. Criteria: Invitae Variant Classification Sherloc (09022015). Collection method: clinical testing. Allele origin: germline.
Comment: This sequence change replaces glutamic acid, which is acidic and polar, with glycine, which is neutral and non-polar, at codon 968 of the COL12A1 protein (p.Glu968Gly). This variant is not present in population databases (gnomAD no frequency). This variant has not been reported in the literature in individuals affected with COL12A1-related conditions. Invitae Evidence Modeling of protein sequence and biophysical properties (such as structural, functional, and spatial information, amino acid conservation, physicochemical variation, residue mobility, and thermodynamic stability) has been performed for this missense variant. However, the output from this modeling did not meet the statistical confidence thresholds required to predict the impact of this variant on COL12A1 protein function. In summary, the available evidence is currently insufficient to determine the role of this variant in disease. Therefore, it has been classified as a Variant of Uncertain Significance.